The following is an entry in ClinVar:

NM_001378687.1(ATP2C1):c.1766A>G (p.Lys589Arg)

Gene: ATP2C1 (ATPase secretory pathway Ca2+ transporting 1; plus strand). Cytogenetic location: 3q22.1.
Variant type: single nucleotide variant.
Coding change: c.1766A>G on transcript NM_001378687.1 (MANE Select); coding-DNA position 1766, A replaced by G.
Protein change: p.Lys589Arg; replaces lysine 589 with arginine.
Molecular consequence: missense variant.
Genome position (GRCh38, 1-based): chr3:130,980,606, A>G. VCF-style: chr3-130980606-A-G. GRCh37 (hg19) VCF-style: chr3-130699450-A-G.
Other names: c.1766A>G, p.Lys589Arg (NM_001001485.3, NM_001001486.2, NM_001001487.2 and 5 more transcripts); c.1868A>G, p.Lys623Arg (NM_001199180.2, NM_001199181.3, NM_001378511.1); c.1751A>G, p.Lys584Arg (NM_001199182.2); c.1718A>G, p.Lys573Arg (NM_001199183.2, NM_001199184.3, NM_001378514.1); short protein forms K589R, K573R, K584R, K623R.
Identifiers: ClinVar variation 421924 (VCV000421924.2), dbSNP rs1048609704, ClinGen allele CA16617827.

ClinVar aggregate classification (germline): Likely pathogenic (1 of 4 stars; one submission).

Allele frequency attached by ClinVar (database versions not stated): gnomAD exomes below 0.00001 and 0.00002; TOPMed 0.00002; gnomAD 0.00003 and 0.00004.
gnomAD v4.1: 14 of 1,613,178 alleles (0.00087%); highest among the groups gnomAD compares: Non-Finnish European, 0.0012%; no homozygotes.

Submission:

GeneDx
Classification: Likely pathogenic. Last evaluated: 2018-08-06. Review status: criteria provided, single submitter. Criteria: GeneDx Variant Classification (06012015). Collection method: clinical testing. Allele origin: germline. Affected: yes.
Comment: The K589R variant in the ATP2C1 gene has not been reported previously as a pathogenic variant, nor as a benign variant, to our knowledge. The K589R variant was not observed in approximately 6500 individuals of European and African American ancestry in the NHLBI Exome Sequencing Project, indicating it is not a common benign variant in these populations. The K589R variant is a conservative amino acid substitution, which is not likely to impact secondary protein structure as these residues share similar properties. This substitution occurs at a position within the ATP-binding domain that is conserved across species. In silico analysis is inconsistent in its predictions as to whether or not the variant is damaging to the protein structure/function. The K589R variant is a strong candidate for a pathogenic variant, however the possibility it may be a rare benign variant cannot be excluded.